The following is an entry in ClinVar:

NM_025074.7(FRAS1):c.4807C>T (p.Arg1603Trp)

Gene: FRAS1 (Fraser extracellular matrix complex subunit 1; plus strand). Cytogenetic location: 4q21.21.
Variant type: single nucleotide variant.
Coding change: c.4807C>T on transcript NM_025074.7 (MANE Select); coding-DNA position 4807, C replaced by T.
Protein change: p.Arg1603Trp; replaces arginine 1603 with tryptophan.
Molecular consequence: missense variant.
Genome position (GRCh38, 1-based): chr4:78,429,190, C>T. VCF-style: chr4-78429190-C-T. GRCh37 (hg19) VCF-style: chr4-79350344-C-T.
Other names: c.4807C>T, p.Arg1603Trp (NM_001166133.2); short protein forms R1603W.
Identifiers: ClinVar variation 435261 (VCV000435261.33), dbSNP rs961911715, ClinGen allele CA99957056.

ClinVar aggregate classification (germline): Conflicting classifications of pathogenicity. Review status: criteria provided, conflicting classifications (1 of 4 stars). 5 submissions from 5 submitters: Uncertain significance (4); Likely benign (1). Last evaluated 2025-01-06.

Conditions:
Fraser syndrome 1 (FRASRS1). Also called: CRYPTOPHTHALMOS WITH OTHER MALFORMATIONS. Identifiers: Orphanet 2052, MedGen C4551480, MONDO:0054737, OMIM 219000.
Inborn genetic diseases. Identifiers: MedGen C0950123, MeSH D030342.

Allele frequency attached by ClinVar (database versions not stated): gnomAD exomes 0.00003; TOPMed 0.00004; gnomAD 0.00005.
gnomAD v4.1: 21 of 1,605,824 alleles (0.0013%); highest among the groups gnomAD compares: Middle Eastern, 0.016%; no homozygotes.

Submissions (5):

Labcorp Genetics (formerly Invitae), Labcorp
Classification: Uncertain significance. Last evaluated: 2025-01-06. Review status: criteria provided, single submitter. Criteria: Invitae Variant Classification Sherloc (09022015). Collection method: clinical testing. Allele origin: germline.
Comment: This sequence change replaces arginine, which is basic and polar, with tryptophan, which is neutral and slightly polar, at codon 1603 of the FRAS1 protein (p.Arg1603Trp). The frequency data for this variant in the population databases is considered unreliable, as metrics indicate poor data quality at this position in the gnomAD database. This variant has not been reported in the literature in individuals affected with FRAS1-related conditions. ClinVar contains an entry for this variant (Variation ID: 435261). Invitae Evidence Modeling of protein sequence and biophysical properties (such as structural, functional, and spatial information, amino acid conservation, physicochemical variation, residue mobility, and thermodynamic stability) indicates that this missense variant is expected to disrupt FRAS1 protein function with a positive predictive value of 80%. In summary, the available evidence is currently insufficient to determine the role of this variant in disease. Therefore, it has been classified as a Variant of Uncertain Significance.

Ambry Genetics
Classification: Uncertain significance for Inborn genetic diseases. Last evaluated: 2024-11-13. Review status: criteria provided, single submitter. Criteria: Ambry Variant Classification Scheme 2023. Collection method: clinical testing. Allele origin: germline.

Fulgent Genetics
Classification: Uncertain significance for Fraser syndrome 1. Last evaluated: 2024-05-07. Review status: criteria provided, single submitter. Criteria: ACMG Guidelines, 2015. Collection method: clinical testing. Allele origin: germline.

CeGaT Center for Human Genetics Tuebingen
Classification: Uncertain significance. Last evaluated: 2023-09-01. Review status: criteria provided, single submitter. Criteria: CeGaT Center For Human Genetics Tuebingen Variant Classification Criteria Version 2. Collection method: clinical testing. Allele origin: germline. Affected: yes. Observed: 1 variant allele.
Comment: FRAS1: PM2, BP4

Genetic Services Laboratory, University of Chicago
Classification: Likely benign. Last evaluated: 2016-07-14. Review status: criteria provided, single submitter. Criteria: ACMG Guidelines, 2015. Collection method: clinical testing. Allele origin: germline. Affected: no.